The following is an entry in ClinVar:

ClinVar aggregate classification (germline): Uncertain significance (1 of 4 stars; one submission).

Conditions:
Malignant hyperthermia, susceptibility to, 1 (MHS1). Also called: Anesthesia related hyperthermia; Malignant hyperpyrexia; Fulminating hyperpyrexia; Pharmacogenic myopathy; RYR1-Related Malignant Hyperthermia Susceptibility; Malignant hyperthermia suceptibility 1. Identifiers: Orphanet 423, MedGen C2930980, MONDO:0007783, OMIM 145600.

Submission:

All of Us Research Program, National Institutes of Health
Classification: Uncertain significance for Malignant hyperthermia, susceptibility to, 1. Last evaluated: 2023-10-06. Review status: criteria provided, single submitter. Criteria: ACMG Guidelines, 2015. Collection method: clinical testing. Allele origin: germline. Inheritance: Autosomal dominant inheritance. Observed: 1 variant allele, 1 heterozygote.
Comment: This missense variant replaces asparagine with isoleucine at codon 2856 of the RYR1 protein. Computational prediction suggests that this variant may not impact protein structure and function (internally defined REVEL score threshold <= 0.5, PMID: 27666373). To our knowledge, functional studies have not been reported for this variant. This variant has not been reported in individuals affected with RYR1-related disorders in the literature. This variant has not been identified in the general population by the Genome Aggregation Database (gnomAD). The available evidence is insufficient to determine the role of this variant in disease conclusively. Therefore, this variant is classified as a Variant of Uncertain Significance.

This study involves interpretation of variants in research participants for the purpose of population health screening. Participant phenotype was not available at the time of variant classification. Additional details can be found in publication PMID: 35346344, PMCID: PMC8962531

NM_000540.3(RYR1):c.8567A>T (p.Asn2856Ile)

Genes: RYR1 (ryanodine receptor 1; plus strand), LOC126862902 (BRD4-independent group 4 enhancer GRCh37_chr19:38995830-38997029; plus strand). Cytogenetic location: 19q13.2.
Variant type: single nucleotide variant.
Coding change: c.8567A>T on transcript NM_000540.3 (MANE Select); coding-DNA position 8567, A replaced by T.
Protein change: p.Asn2856Ile; replaces asparagine 2856 with isoleucine.
Molecular consequence: missense variant.
Genome position (GRCh38, 1-based): chr19:38,506,328, A>T. VCF-style: chr19-38506328-A-T. GRCh37 (hg19) VCF-style: chr19-38996968-A-T.
Other names: c.8567A>T, p.Asn2856Ile (NM_001042723.2); short protein forms N2856I.
Identifiers: ClinVar variation 3073766 (VCV003073766.1), dbSNP rs549476638, ClinGen allele CA405679266.